The following is an entry in ClinVar:

NM_005359.6(SMAD4):c.700dup (p.Ser234fs)

Gene: SMAD4 (SMAD family member 4; plus strand). Cytogenetic location: 18q21.2.
Variant type: Duplication.
Coding change: c.700dup on transcript NM_005359.6 (MANE Select); coding-DNA position 700, one base duplicated (A; older notation c.700dupA).
Protein change: p.Ser234fs; shifts the reading frame from serine 234.
Molecular consequence: frameshift variant. On other transcripts: non-coding transcript variant (2).
Genome position (GRCh38, 1-based): chr18:51,058,157, A duplicated. VCF-style (leftmost placement, unchanged base first): chr18-51058156-T-TA. GRCh37 (hg19) VCF-style: chr18-48584526-T-TA.
Other names: c.700dup, p.Ser234fs (NM_001407041.1, NM_001407042.1, NM_001407043.1); short protein forms S234fs.
Identifiers: ClinVar variation 2864292 (VCV002864292.3), dbSNP rs2511376740, ClinGen allele CA2739268741.

ClinVar aggregate classification (germline): Pathogenic (1 of 4 stars; one submission).

Conditions:
Juvenile polyposis syndrome (JPS). Identifiers: Orphanet 2929, MedGen C0345893, MONDO:0017380, OMIM 174900.

Submission:

Labcorp Genetics (formerly Invitae), Labcorp
Classification: Pathogenic for Juvenile polyposis syndrome. Last evaluated: 2023-05-14. Review status: criteria provided, single submitter. Criteria: Invitae Variant Classification Sherloc (09022015). Collection method: clinical testing. Allele origin: germline.
Comment: This variant is not present in population databases (gnomAD no frequency). This sequence change creates a premature translational stop signal (p.Ser234Lysfs*2) in the SMAD4 gene. It is expected to result in an absent or disrupted protein product. Loss-of-function variants in SMAD4 are known to be pathogenic (PMID: 16152648, 16436638, 22810475). This variant has not been reported in the literature in individuals affected with SMAD4-related conditions. For these reasons, this variant has been classified as Pathogenic.

Literature cited by the submitters: PubMed 16152648; PubMed 16436638; PubMed 22810475.